The following is an entry in ClinVar:

NM_001126108.2(SLC12A3):c.2809_2810insCTCAGGC (p.Cys937fs)

Gene: SLC12A3 (solute carrier family 12 member 3; plus strand). Cytogenetic location: 16q13.
Variant type: Insertion.
Coding change: c.2809_2810insCTCAGGC on transcript NM_001126108.2 (MANE Select); coding-DNA positions 2809 to 2810, CTCAGGC inserted.
Protein change: p.Cys937fs; shifts the reading frame from cysteine 937.
Molecular consequence: frameshift variant.
Genome position: GRCh38 VCF-style: chr16-56902461-T-TCTCAGGC. GRCh37 (hg19) VCF-style: chr16-56936373-T-TCTCAGGC.
Other names: c.2836_2837insCTCAGGC, p.Cys946fs (NM_000339.3); c.2833_2834insCTCAGGC, p.Cys945fs (NM_001126107.2); c.2806_2807insCTCAGGC, p.Cys936fs (NM_001410896.1); short protein forms C946fs, C937fs, C936fs, C945fs.
Identifiers: ClinVar variation 4994867 (VCV004994867.1).

ClinVar aggregate classification (germline): Likely pathogenic (1 of 4 stars; one submission).

Conditions:
SLC12A3-related disorder. Also called: SLC12A3-related condition.

Submission:

PreventionGenetics, part of Exact Sciences
Classification: Likely pathogenic for SLC12A3-related condition. Last evaluated: 2026-03-20. Review status: criteria provided, single submitter. Criteria: ACMG Guidelines, 2015. Collection method: clinical testing. Allele origin: germline.
Comment: The SLC12A3 c.2836_2837insCTCAGGC variant is predicted to result in a frameshift and premature protein termination (p.Cys946Serfs*10). To our knowledge, this variant has not been reported in the literature or in a large population database (gnomAD), indicating this variant is rare. Frameshift variants in SLC12A3 are expected to be pathogenic. This variant is interpreted as likely pathogenic.